The following is an entry in ClinVar:

ClinVar aggregate classification (germline): Uncertain significance (1 of 4 stars; one submission).

Conditions:
Periodic fever-infantile enterocolitis-autoinflammatory syndrome. Also called: Autoinflammation with infantile enterocolitis. Identifiers: Orphanet 436166, MedGen C4015067, MONDO:0014472, OMIM 616050.
Familial cold autoinflammatory syndrome 4 (FCAS4). Identifiers: Orphanet 47045, Orphanet 576349, MedGen C4015276, MONDO:0014498, OMIM 616115.

gnomAD v4.1: 1 of 1,614,228 alleles (0.000062%); no homozygotes.

Submission:

Labcorp Genetics (formerly Invitae), Labcorp
Classification: Uncertain significance for Periodic fever-infantile enterocolitis-autoinflammatory syndrome; Familial cold autoinflammatory syndrome 4. Last evaluated: 2021-12-12. Review status: criteria provided, single submitter. Criteria: Invitae Variant Classification Sherloc (09022015). Collection method: clinical testing. Allele origin: germline.
Comment: This sequence change replaces cysteine, which is neutral and slightly polar, with serine, which is neutral and polar, at codon 697 of the NLRC4 protein (p.Cys697Ser). This variant is not present in population databases (gnomAD no frequency). This variant has not been reported in the literature in individuals affected with NLRC4-related conditions. Algorithms developed to predict the effect of missense changes on protein structure and function (SIFT, PolyPhen-2, Align-GVGD) all suggest that this variant is likely to be tolerated. In summary, the available evidence is currently insufficient to determine the role of this variant in disease. Therefore, it has been classified as a Variant of Uncertain Significance.

NM_001199138.2(NLRC4):c.2089T>A (p.Cys697Ser)

Gene: NLRC4 (NLR family CARD domain containing 4; minus strand). Cytogenetic location: 2p22.3.
Variant type: single nucleotide variant.
Coding change: c.2089T>A on transcript NM_001199138.2 (MANE Select); coding-DNA position 2089, T replaced by A.
Protein change: p.Cys697Ser; replaces cysteine 697 with serine.
Molecular consequence: missense variant. On other transcripts: intron variant (1).
Genome position (GRCh38, 1-based): chr2:32,249,775, A>T on the plus strand (T>A on the coding strand, the complement: NLRC4 is on the minus strand). VCF-style: chr2-32249775-A-T. GRCh37 (hg19) VCF-style: chr2-32474844-A-T.
Other names: c.2089T>A, p.Cys697Ser (NM_001199139.2, NM_021209.5); c.262+2644T>A (NM_001302504.1); short protein forms C697S.
Identifiers: ClinVar variation 1901172 (VCV001901172.5), dbSNP rs1573491986, ClinGen allele CA346511025.